The following is an entry in ClinVar:

ClinVar aggregate classification (germline): Pathogenic (1 of 4 stars; one submission).

Submission:

Labcorp Genetics (formerly Invitae), Labcorp
Classification: Pathogenic. Last evaluated: 2019-07-26. Review status: criteria provided, single submitter. Criteria: Invitae Variant Classification Sherloc (09022015). Collection method: clinical testing. Allele origin: germline.
Comment: For these reasons, this variant has been classified as Pathogenic. Loss-of-function variants in PHEX are known to be pathogenic (PMID: 9097956, 9106524, 19219621). This sequence change creates a premature translational stop signal (p.Arg463Glyfs*20) in the PHEX gene. It is expected to result in an absent or disrupted protein product. This variant is not present in population databases (ExAC no frequency). This variant has not been reported in the literature in individuals with PHEX-related conditions.

Literature cited by the submitters: PubMed 9097956; PubMed 9106524; PubMed 19219621.

NM_000444.6(PHEX):c.1387del (p.Arg463fs)

Gene: PHEX (phosphate regulating endopeptidase X-linked; plus strand). Cytogenetic location: Xp22.11.
Variant type: Deletion.
Coding change: c.1387del on transcript NM_000444.6 (MANE Select); coding-DNA position 1387, one base deleted (A; older notation c.1387delA).
Protein change: p.Arg463fs; shifts the reading frame from arginine 463.
Molecular consequence: frameshift variant.
Genome position (GRCh38, 1-based): chrX:22,133,607, A deleted; the last of 4 consecutive A bases (chrX:22,133,604-22,133,607); deleting any one gives the same sequence. VCF-style (leftmost placement, unchanged base first): chrX-22133603-GA-G. GRCh37 (hg19) VCF-style: chrX-22151720-GA-G.
Other names: c.1387del, p.Arg463fs (NM_001282754.2); short protein forms R463fs.
Identifiers: ClinVar variation 939075 (VCV000939075.8), dbSNP rs1932109241, ClinGen allele CA1139667297.